The following is an entry in ClinVar:

NM_004168.4(SDHA):c.1229T>C (p.Met410Thr)

Gene: SDHA (succinate dehydrogenase complex flavoprotein subunit A; plus strand). Cytogenetic location: 5p15.33.
Variant type: single nucleotide variant.
Coding change: c.1229T>C on transcript NM_004168.4 (MANE Select); coding-DNA position 1229, T replaced by C.
Protein change: p.Met410Thr; replaces methionine 410 with threonine.
Molecular consequence: missense variant.
Genome position (GRCh38, 1-based): chr5:235,308, T>C. VCF-style: chr5-235308-T-C. GRCh37 (hg19) VCF-style: chr5-235423-T-C.
Other names: c.1085T>C, p.Met362Thr (NM_001294332.2); c.1229T>C, p.Met410Thr (NM_001330758.2); c.1229T>C (NM_004168.2); short protein forms M410T, M362T.
Identifiers: ClinVar variation 472310 (VCV000472310.12), dbSNP rs1553999505, ClinGen allele CA359013716.

ClinVar aggregate classification (germline): Uncertain significance. Review status: criteria provided, multiple submitters, no conflicts (2 of 4 stars). 2 submissions from 2 submitters: Uncertain significance (2). Last evaluated 2026-07-22.

Conditions:
Mitochondrial complex II deficiency, nuclear type 1. Also called: SUCCINATE CoQ REDUCTASE DEFICIENCY. Identifiers: Orphanet 3208, MedGen C5700310, MONDO:0100294, OMIM 252011.
Pheochromocytoma/paraganglioma syndrome 5. Also called: Paragangliomas 5; SDHA-Related Hereditary Paraganglioma-Pheochromocytoma Syndrome. Identifiers: Orphanet 29072, MedGen C3279992, MONDO:0013602, OMIM 614165.
Hereditary cancer-predisposing syndrome. Also called: Neoplastic Syndromes, Hereditary; Hereditary neoplastic syndrome; Hereditary Cancer Syndrome; Tumor predisposition. Identifiers: Orphanet 140162, MedGen C0027672, MeSH D009386, MONDO:0015356.

Allele frequency attached by ClinVar (database versions not stated): gnomAD exomes below 0.00001.
gnomAD v4.1: 3 of 1,614,166 alleles (0.00019%); highest among the groups gnomAD compares: South Asian, 0.0011%; no homozygotes.

Submissions (2):

Ambry Genetics
Classification: Uncertain significance for Hereditary cancer-predisposing syndrome. Last evaluated: 2026-07-22. Review status: criteria provided, single submitter. Criteria: Ambry Variant Classification Scheme 2023. Collection method: clinical testing. Allele origin: germline.
Comment: The p.M410T variant (also known as c.1229T>C), located in coding exon 9 of the SDHA gene, results from a T to C substitution at nucleotide position 1229. The methionine at codon 410 is replaced by threonine, an amino acid with similar properties. This amino acid position is highly conserved in available vertebrate species. In addition, this alteration is predicted to be deleterious by in silico analysis. Based on the available evidence, the clinical significance of this variant remains unclear.

Labcorp Genetics (formerly Invitae), Labcorp
Classification: Uncertain significance for Pheochromocytoma/paraganglioma syndrome 5; Mitochondrial complex II deficiency, nuclear type 1. Last evaluated: 2024-03-26. Review status: criteria provided, single submitter. Criteria: Invitae Variant Classification Sherloc (09022015). Collection method: clinical testing. Allele origin: germline.
Comment: This sequence change replaces methionine, which is neutral and non-polar, with threonine, which is neutral and polar, at codon 410 of the SDHA protein (p.Met410Thr). This variant is not present in population databases (gnomAD no frequency). This variant has not been reported in the literature in individuals affected with SDHA-related conditions. ClinVar contains an entry for this variant (Variation ID: 472310). Advanced modeling of protein sequence and biophysical properties (such as structural, functional, and spatial information, amino acid conservation, physicochemical variation, residue mobility, and thermodynamic stability) has been performed at Invitae for this missense variant, however the output from this modeling did not meet the statistical confidence thresholds required to predict the impact of this variant on SDHA protein function. In summary, the available evidence is currently insufficient to determine the role of this variant in disease. Therefore, it has been classified as a Variant of Uncertain Significance.